The following is an entry in ClinVar:

NM_018255.4(ELP2):c.1331T>C (p.Leu444Ser)

Gene: ELP2 (elongator acetyltransferase complex subunit 2; plus strand). Cytogenetic location: 18q12.2.
Variant type: single nucleotide variant.
Coding change: c.1331T>C on transcript NM_018255.4 (MANE Select); coding-DNA position 1331, T replaced by C.
Protein change: p.Leu444Ser; replaces leucine 444 with serine.
Molecular consequence: missense variant. On other transcripts: non-coding transcript variant (4).
Genome position (GRCh38, 1-based): chr18:36,156,521, T>C. VCF-style: chr18-36156521-T-C. GRCh37 (hg19) VCF-style: chr18-33736484-T-C.
Other names: c.1526T>C, p.Leu509Ser (NM_001242875.3); c.1316T>C, p.Leu439Ser (NM_001242876.3); c.1253T>C, p.Leu418Ser (NM_001242877.3); c.1121T>C, p.Leu374Ser (NM_001242878.3, NM_001242879.3); c.1199T>C, p.Leu400Ser (NM_001324465.2); c.1448T>C, p.Leu483Ser (NM_001324466.2); c.1181T>C, p.Leu394Ser (NM_001324467.2); c.884T>C, p.Leu295Ser (NM_001324468.2); short protein forms L295S, L374S, L394S, L400S, L418S, L439S, L444S, L483S.
Identifiers: ClinVar variation 1012183 (VCV001012183.27), dbSNP rs139040517, ClinGen allele CA8939934.

ClinVar aggregate classification (germline): Uncertain significance. Review status: criteria provided, multiple submitters, no conflicts (2 of 4 stars). 5 submissions from 5 submitters: Uncertain significance (3). 2 of the submissions do not count toward it. Last evaluated 2024-03-01.

Conditions:
Intellectual developmental disorder, autosomal recessive 58. Also called: Intellectual disability, autosomal recessive 58. Identifiers: MedGen C4310641, MONDO:0014996, OMIM 617270.
ELP2-related disorder. Also called: ELP2-Related Disorders; ELP2-related condition.
Profound intellectual disability. Identifiers: MedGen C3161330, HP:0002187.

Allele frequency attached by ClinVar (database versions not stated): gnomAD 0.00021; gnomAD exomes 0.00022 and 0.00049; TOPMed 0.00026; ExAC 0.00035; ESP Exome Variant Server 0.00046.
gnomAD v4.1: 374 of 1,614,040 alleles (0.023%); highest among the groups gnomAD compares: Middle Eastern, 0.23%; 1 homozygote.

Submissions (5):

CeGaT Center for Human Genetics Tuebingen
Classification: Uncertain significance. Last evaluated: 2024-03-01. Review status: criteria provided, single submitter. Criteria: CeGaT Center For Human Genetics Tuebingen Variant Classification Criteria Version 2. Collection method: clinical testing. Allele origin: germline. Affected: yes. Observed: 1 variant allele.
Comment: ELP2: PM2, PM3:Supporting

Baylor Genetics
Classification: Uncertain significance for Intellectual developmental disorder, autosomal recessive 58. Last evaluated: 2020-01-14. Review status: criteria provided, single submitter. Criteria: ACMG Guidelines, 2015. Collection method: clinical testing. Allele origin: unknown. Affected: yes.
Comment: This variant was determined to be of uncertain significance according to ACMG Guidelines, 2015 [PMID:25741868].

Breakthrough Genomics
Classification: Uncertain significance. Review status: criteria provided, single submitter. Criteria: ACMG Guidelines, 2015. Collection method: not provided. Allele origin: germline. Inheritance: Autosomal recessive inheritance. Affected: yes.

PreventionGenetics, part of Exact Sciences
Classification: Likely benign for ELP2-related condition. Last evaluated: 2019-06-05. Review status: no assertion criteria provided. Collection method: clinical testing. Allele origin: germline. Not counted in ClinVar's aggregate classification.
Comment: This variant is classified as likely benign based on ACMG/AMP sequence variant interpretation guidelines (Richards et al. 2015 PMID: 25741868, with internal and published modifications).

Wainwright Lab, University Of Queensland
Classification: Likely pathogenic for Intellectual disability, profound. Review status: no assertion criteria provided. Collection method: clinical testing. Allele origin: inherited. Inheritance: Autosomal recessive inheritance. Affected: yes. Observed: 1 variant allele, 1 compound heterozygote. Not counted in ClinVar's aggregate classification.